The following is an entry in ClinVar:

NM_016219.5(MAN1B1):c.620+10G>A

Gene: MAN1B1 (mannosidase alpha class 1B member 1; plus strand). Cytogenetic location: 9q34.3.
Variant type: single nucleotide variant.
Coding change: c.620+10G>A on transcript NM_016219.5 (MANE Select); 10 bases into the intron after coding-DNA position 620, G replaced by A.
Molecular consequence: intron variant.
Genome position (GRCh38, 1-based): chr9:137,096,401, G>A. VCF-style: chr9-137096401-G-A. GRCh37 (hg19) VCF-style: chr9-139990853-G-A.
Other names: c.620+10G>A (NM_016219.4).
Identifiers: ClinVar variation 2143399 (VCV002143399.6), dbSNP rs555579644, ClinGen allele CA5358698.

ClinVar aggregate classification (germline): Benign. Review status: criteria provided, single submitter (1 of 4 stars). 2 submissions from 2 submitters: Benign (1). 1 of the submissions does not count toward it. Last evaluated 2025-07-27.

Conditions:
Rafiq syndrome (RAFQS). Identifiers: Orphanet 88616, MedGen C3280127, MONDO:0013624, OMIM 614202.
MAN1B1-related disorder. Also called: MAN1B1-related disorders; MAN1B1-related condition.

Allele frequency attached by ClinVar (database versions not stated): TOPMed 0.00013; gnomAD 0.00015; 1000 Genomes Project 30x 0.00016; 1000 Genomes Project 0.00020; ExAC 0.00025.
gnomAD v4.1: 134 of 1,612,904 alleles (0.0083%); highest among the groups gnomAD compares: East Asian, 0.18%; 1 homozygote.

Submissions (2):

Labcorp Genetics (formerly Invitae), Labcorp
Classification: Benign for Rafiq syndrome. Last evaluated: 2025-07-27. Review status: criteria provided, single submitter. Criteria: Invitae Variant Classification Sherloc (09022015). Collection method: clinical testing. Allele origin: germline.

PreventionGenetics, part of Exact Sciences
Classification: Likely benign for MAN1B1-related condition. Last evaluated: 2020-10-27. Review status: no assertion criteria provided. Collection method: clinical testing. Allele origin: germline. Not counted in ClinVar's aggregate classification.
Comment: This variant is classified as likely benign based on ACMG/AMP sequence variant interpretation guidelines (Richards et al. 2015 PMID: 25741868, with internal and published modifications).